The following is an entry in ClinVar:

ClinVar aggregate classification (germline): Uncertain significance (1 of 4 stars; one submission).

Conditions:
Acute myeloid leukemia (AML). Also called: Acute myeloid leukemia, adult; AML adult; Acute non-lymphocytic leukemia; Acute granulocytic leukemia; Leukemia, acute myeloid, somatic; Leukemia, acute myelogenous, somatic. Identifiers: Orphanet 519, MedGen C0023467, MeSH D015470, MONDO:0018874, OMIM 601626, HP:0004808. Disease mechanism: Constitutively activated FLT3.

Submission:

Labcorp Genetics (formerly Invitae), Labcorp
Classification: Uncertain significance for Acute myeloid leukemia. Last evaluated: 2022-03-23. Review status: criteria provided, single submitter. Criteria: Invitae Variant Classification Sherloc (09022015). Collection method: clinical testing. Allele origin: germline.
Comment: In summary, the available evidence is currently insufficient to determine the role of this variant in disease. Therefore, it has been classified as a Variant of Uncertain Significance. Algorithms developed to predict the effect of missense changes on protein structure and function (SIFT, PolyPhen-2, Align-GVGD) all suggest that this variant is likely to be tolerated. This variant has not been reported in the literature in individuals affected with CEBPA-related conditions. This variant is not present in population databases (gnomAD no frequency). This sequence change replaces phenylalanine, which is neutral and non-polar, with leucine, which is neutral and non-polar, at codon 31 of the CEBPA protein (p.Phe31Leu).

NM_004364.5(CEBPA):c.93C>G (p.Phe31Leu)

Gene: CEBPA (CCAAT enhancer binding protein alpha; minus strand). Cytogenetic location: 19q13.11.
Variant type: single nucleotide variant.
Coding change: c.93C>G on transcript NM_004364.5 (MANE Select); coding-DNA position 93, C replaced by G.
Protein change: p.Phe31Leu; replaces phenylalanine 31 with leucine.
Molecular consequence: missense variant. On other transcripts: 5 prime UTR variant (1).
Genome position (GRCh38, 1-based): chr19:33,302,322, G>C on the plus strand (C>G on the coding strand, the complement: CEBPA is on the minus strand). VCF-style: chr19-33302322-G-C. GRCh37 (hg19) VCF-style: chr19-33793228-G-C.
Other names: c.-265C>G (NM_001285829.2); c.198C>G, p.Phe66Leu (NM_001287424.2); c.51C>G, p.Phe17Leu (NM_001287435.2); short protein forms F66L, F17L, F31L.
Identifiers: ClinVar variation 2116078 (VCV002116078.4), dbSNP rs2145264560, ClinGen allele CA405275688.